The following is an entry in ClinVar:

NM_002335.4(LRP5):c.881T>A (p.Phe294Tyr)

Gene: LRP5 (LDL receptor related protein 5; plus strand). Cytogenetic location: 11q13.2.
Variant type: single nucleotide variant.
Coding change: c.881T>A on transcript NM_002335.4 (MANE Select); coding-DNA position 881, T replaced by A.
Protein change: p.Phe294Tyr; replaces phenylalanine 294 with tyrosine.
Molecular consequence: missense variant. On other transcripts: 5 prime UTR variant (1).
Genome position (GRCh38, 1-based): chr11:68,363,941, T>A. VCF-style: chr11-68363941-T-A. GRCh37 (hg19) VCF-style: chr11-68131409-T-A.
Other names: c.-885T>A (NM_001291902.2); short protein forms F294Y.
Identifiers: ClinVar variation 4798256 (VCV004798256.1).
Genomic context (GRCh38, chr11:68,363,941, plus strand): 5'-TCCTGAGTGCCCTCTACTCACCCATGGACATCCAGGTGCTGAGCCAGGAGCGGCAGCCTT[T>A]CTGTGAGTGCCGGCTGGGGCGCGGGGGCGAGGGTGCGGGGGCTGGGGGGAGCGGGGGCGC-3'
Protein context (NP_002326.2, residues 284-304): IQVLSQERQP[Phe294Tyr]FHTRCEEDNG

ClinVar aggregate classification (germline): Uncertain significance (1 of 4 stars; one submission).

Submission:

Labcorp Genetics (formerly Invitae), Labcorp
Classification: Uncertain significance. Last evaluated: 2025-03-18. Review status: criteria provided, single submitter. Criteria: Invitae Variant Classification Sherloc (09022015). Collection method: clinical testing. Allele origin: germline.
Comment: This sequence change replaces phenylalanine, which is neutral and non-polar, with tyrosine, which is neutral and polar, at codon 294 of the LRP5 protein (p.Phe294Tyr). This variant is not present in population databases (gnomAD no frequency). This variant has not been reported in the literature in individuals affected with LRP5-related conditions. An algorithm developed to predict the effect of missense changes on protein structure and function outputs the following: PolyPhen-2: "Benign". The tyrosine amino acid residue is found in multiple mammalian species, which suggests that this missense change does not adversely affect protein function. In summary, the available evidence is currently insufficient to determine the role of this variant in disease. Therefore, it has been classified as a Variant of Uncertain Significance.